The following is an entry in ClinVar:

ClinVar aggregate classification (germline): Uncertain significance (1 of 4 stars; one submission).

Conditions:
Hereditary cancer-predisposing syndrome. Also called: Tumor predisposition; Neoplastic Syndromes, Hereditary; Hereditary neoplastic syndrome; Hereditary Cancer Syndrome. Identifiers: Orphanet 140162, MedGen C0027672, MeSH D009386, MONDO:0015356.

Submission:

Ambry Genetics
Classification: Uncertain significance for Hereditary cancer-predisposing syndrome. Last evaluated: 2025-08-27. Review status: criteria provided, single submitter. Criteria: Ambry Variant Classification Scheme 2023. Collection method: clinical testing. Allele origin: germline.
Comment: The p.Q351P variant (also known as c.1052A>C), located in coding exon 12 of the MUTYH gene, results from an A to C substitution at nucleotide position 1052. The glutamine at codon 351 is replaced by proline, an amino acid with similar properties. This amino acid position is conserved. In addition, this alteration is predicted to be tolerated by in silico analysis. Based on the available evidence, the clinical significance of this variant remains unclear.

NM_001048174.2(MUTYH):c.968A>C (p.Gln323Pro)

Gene: MUTYH (mutY DNA glycosylase; minus strand). Cytogenetic location: 1p34.1.
Variant type: single nucleotide variant.
Coding change: c.968A>C on transcript NM_001048174.2 (MANE Select); coding-DNA position 968, A replaced by C.
Protein change: p.Gln323Pro; replaces glutamine 323 with proline.
Molecular consequence: missense variant. On other transcripts: non-coding transcript variant (7).
Genome position (GRCh38, 1-based): chr1:45,331,795, T>G on the plus strand (A>C on the coding strand, the complement: MUTYH is on the minus strand). VCF-style: chr1-45331795-T-G. GRCh37 (hg19) VCF-style: chr1-45797467-T-G.
Other names: c.623A>C, p.Gln208Pro (NM_001350650.2, NM_001350651.2, NM_001407082.1); c.1001A>C, p.Gln334Pro (NM_001407069.1, NM_001407077.1, NM_001293191.2); c.968A>C, p.Gln323Pro (NM_001407070.1, NM_001407072.1, NM_001407073.1 and 6 more transcripts); c.971A>C, p.Gln324Pro (NM_001407071.1, NM_001048172.2, NM_001407078.1 and 1 more transcripts); c.884A>C, p.Gln295Pro (NM_001407075.1); c.1043A>C, p.Gln348Pro (NM_012222.3); c.692A>C, p.Gln231Pro (NM_001407091.1, NM_001293192.2, NM_001293196.2); c.1052A>C, p.Gln351Pro (NM_001128425.2); and 5 more; short protein forms Q231P, Q309P, Q310P, Q334P, Q295P, Q330P, Q337P, Q351P.
Identifiers: ClinVar variation 4112966 (VCV004112966.1).